The following is an entry in ClinVar:

NM_001040108.2(MLH3):c.3137G>A (p.Arg1046Gln)

Gene: MLH3 (mutL homolog 3; minus strand). Cytogenetic location: 14q24.3.
Variant type: single nucleotide variant.
Coding change: c.3137G>A on transcript NM_001040108.2 (MANE Select); coding-DNA position 3137, G replaced by A.
Protein change: p.Arg1046Gln; replaces arginine 1046 with glutamine.
Molecular consequence: missense variant.
Genome position (GRCh38, 1-based): chr14:75,046,519, C>T on the plus strand (G>A on the coding strand, the complement: MLH3 is on the minus strand). VCF-style: chr14-75046519-C-T. GRCh37 (hg19) VCF-style: chr14-75513222-C-T.
Other names: c.3137G>A, p.Arg1046Gln (NM_014381.3); short protein forms R1046Q.
Identifiers: ClinVar variation 238248 (VCV000238248.32), dbSNP rs201303087, ClinGen allele CA7275584.
Genomic context (GRCh38, chr14:75,046,519, plus strand): 5'-GTGCTGAGTCCAGTCATTTTGTTGACATAAACCATTCTTCCCAGGGCTACATCGAAATGC[C>T]GCTGCCAATCTGAACAACACGTGTTTGACTCTTCAGTTTCAGAACAAGCTCTTGCTTTAG-3'
Protein context (NP_001035197.1, residues 1036-1056): ESNTCCSDWQ[Arg1046Gln]HFDVALGRMV

ClinVar aggregate classification (germline): Conflicting classifications of pathogenicity. Review status: criteria provided, conflicting classifications (1 of 4 stars). 9 submissions from 9 submitters: Uncertain significance (7); Likely benign (2). Last evaluated 2025-12-29.

Conditions:
Colorectal cancer. Also called: Colorectal cancer, somatic; Malignant Colorectal Neoplasm. Identifiers: MedGen C0346629, MONDO:0005575, OMIM 114500.
Colorectal cancer, hereditary nonpolyposis, type 7. Identifiers: Orphanet 144, MedGen C1858380, MONDO:0013725, OMIM 614385.
Endometrial carcinoma. Also called: Endometrial carcinoma, somatic. Identifiers: MedGen C0476089, MONDO:0002447, OMIM 608089, HP:0012114.

Allele frequency attached by ClinVar (database versions not stated): ESP Exome Variant Server 0.00008; gnomAD exomes 0.00014 and 0.00017; gnomAD 0.00017 and 0.00018; TOPMed 0.00020; ExAC 0.00021; 1000 Genomes Project 0.00040; 1000 Genomes Project 30x 0.00062.
gnomAD v4.1: 254 of 1,614,170 alleles (0.016%); highest among the groups gnomAD compares: Middle Eastern, 0.13%; 1 homozygote.

Submissions (9):

Center for Genomic Medicine, Rigshospitalet, Copenhagen University Hospital
Classification: Uncertain significance. Last evaluated: 2025-12-29. Review status: criteria provided, single submitter. Criteria: ACMG Guidelines, 2015. Collection method: clinical testing. Allele origin: germline.

Labcorp Genetics (formerly Invitae), Labcorp
Classification: Uncertain significance for Colorectal cancer, hereditary nonpolyposis, type 7. Last evaluated: 2025-12-10. Review status: criteria provided, single submitter. Criteria: Invitae Variant Classification Sherloc (09022015). Collection method: clinical testing. Allele origin: germline.
Comment: This sequence change replaces arginine, which is basic and polar, with glutamine, which is neutral and polar, at codon 1046 of the MLH3 protein (p.Arg1046Gln). This variant is present in population databases (rs201303087, gnomAD 0.04%), and has an allele count higher than expected for a pathogenic variant. This missense change has been observed in individual(s) with kidney cancer (PMID: 35534704). ClinVar contains an entry for this variant (Variation ID: 238248). An algorithm developed to predict the effect of missense changes on protein structure and function outputs the following: PolyPhen-2: "Benign". The glutamine amino acid residue is found in multiple mammalian species, which suggests that this missense change does not adversely affect protein function. In summary, the available evidence is currently insufficient to determine the role of this variant in disease. Therefore, it has been classified as a Variant of Uncertain Significance.

Dasa
Classification: Uncertain significance. Last evaluated: 2025-04-07. Review status: criteria provided, single submitter. Criteria: DASA Assertion Criteria. Collection method: clinical testing. Allele origin: germline.
Comment: NM_001040108.2(MLH3):c.3137G>A (p.Arg1046Gln) is a missense variant that results in the substitution of arginine with glutamine. This variant is rare in population databases. Computational prediction algorithms are consistent with a benign effect. The currently available literature and clinical evidence are not sufficient to establish a definitive association between this variant and the reported condition. Therefore, this variant is classified as a variant of uncertain significance.

Blueprint Genetics
Classification: Likely benign. Last evaluated: 2024-09-16. Review status: criteria provided, single submitter. Criteria: ACMG Guidelines, 2015. Collection method: clinical testing. Allele origin: germline.

Department of Pathology and Laboratory Medicine, Sinai Health System
Classification: Uncertain significance for Colorectal cancer; Endometrial carcinoma; Colorectal cancer, hereditary nonpolyposis, type 7. Last evaluated: 2023-01-25. Review status: criteria provided, single submitter. Criteria: ACMG Guidelines, 2015. Collection method: clinical testing. Allele origin: germline. Affected: yes.

Ambry Genetics
Classification: Likely benign. Last evaluated: 2022-07-28. Review status: criteria provided, single submitter. Criteria: Ambry Variant Classification Scheme 2023. Collection method: clinical testing. Allele origin: germline.

Fulgent Genetics
Classification: Uncertain significance for Colorectal cancer; Endometrial carcinoma; Colorectal cancer, hereditary nonpolyposis, type 7. Last evaluated: 2021-12-23. Review status: criteria provided, single submitter. Criteria: ACMG Guidelines, 2015. Collection method: clinical testing. Allele origin: unknown.

Illumina Laboratory Services, Illumina
Classification: Uncertain significance for Colorectal cancer, hereditary nonpolyposis, type 7. Last evaluated: 2018-01-12. Review status: criteria provided, single submitter. Criteria: ICSL Variant Classification Criteria 13 December 2019. Collection method: clinical testing. Allele origin: germline.

Breakthrough Genomics
Classification: Uncertain significance. Review status: criteria provided, single submitter. Criteria: ACMG Guidelines, 2015. Collection method: not provided. Allele origin: germline. Inheritance: Autosomal dominant inheritance. Affected: yes.

Literature cited by the submitters: PubMed 35534704 (cited by Labcorp Genetics (formerly Invitae), Labcorp).